The following is an entry in ClinVar:

NM_000222.3(KIT):c.430A>T (p.Thr144Ser)

Gene: KIT (KIT proto-oncogene, receptor tyrosine kinase; plus strand). Cytogenetic location: 4q12.
Variant type: single nucleotide variant.
Coding change: c.430A>T on transcript NM_000222.3 (MANE Select); coding-DNA position 430, A replaced by T.
Protein change: p.Thr144Ser; replaces threonine 144 with serine.
Molecular consequence: missense variant.
Genome position (GRCh38, 1-based): chr4:54,698,376, A>T. VCF-style: chr4-54698376-A-T. GRCh37 (hg19) VCF-style: chr4-55564542-A-T.
Other names: c.430A>T, p.Thr144Ser (NM_001093772.2, NM_001385284.1, NM_001385285.1 and 4 more transcripts); short protein forms T144S.
Identifiers: ClinVar variation 645661 (VCV000645661.10), dbSNP rs758120380, ClinGen allele CA356897569.
Genomic context (GRCh38, chr4:54,698,376, plus strand): 5'-TTGTATGGGAAAGAAGACAACGACACGCTGGTCCGCTGTCCTCTCACAGACCCAGAAGTG[A>T]CCAATTATTCCCTCAAGGGGTGCCAGGGGAAGCCTCTTCCCAAGGACTTGAGGTTTATTC-3'
Protein context (NP_000213.1, residues 134-154): VRCPLTDPEV[Thr144Ser]NYSLKGCQGK

ClinVar aggregate classification (germline): Conflicting classifications of pathogenicity. Review status: criteria provided, conflicting classifications (1 of 4 stars). 2 submissions from 2 submitters: Uncertain significance (1); Likely benign (1). Last evaluated 2025-07-30.

Conditions:
Hereditary cancer-predisposing syndrome. Also called: Hereditary Cancer Syndrome; Tumor predisposition; Neoplastic Syndromes, Hereditary; Hereditary neoplastic syndrome. Identifiers: Orphanet 140162, MedGen C0027672, MeSH D009386, MONDO:0015356.
Gastrointestinal stromal tumor. Also called: Gastrointestinal stromal tumor, somatic; Gastrointestinal stroma tumor. Identifiers: Orphanet 44890, MedGen C0238198, MeSH D046152, MONDO:0011719, OMIM 606764, HP:0100723.

Submissions (2):

Labcorp Genetics (formerly Invitae), Labcorp
Classification: Uncertain significance for Gastrointestinal stromal tumor. Last evaluated: 2025-07-30. Review status: criteria provided, single submitter. Criteria: Invitae Variant Classification Sherloc (09022015). Collection method: clinical testing. Allele origin: germline.
Comment: This sequence change replaces threonine, which is neutral and polar, with serine, which is neutral and polar, at codon 144 of the KIT protein (p.Thr144Ser). This variant is not present in population databases (gnomAD no frequency). This variant has not been reported in the literature in individuals affected with KIT-related conditions. ClinVar contains an entry for this variant (Variation ID: 645661). An algorithm developed to predict the effect of missense changes on protein structure and function outputs the following: PolyPhen-2: "Benign". The serine amino acid residue is found in multiple mammalian species, which suggests that this missense change does not adversely affect protein function. In summary, the available evidence is currently insufficient to determine the role of this variant in disease. Therefore, it has been classified as a Variant of Uncertain Significance.

Ambry Genetics
Classification: Likely benign for Hereditary cancer-predisposing syndrome. Last evaluated: 2024-05-31. Review status: criteria provided, single submitter. Criteria: Ambry Variant Classification Scheme 2023. Collection method: clinical testing. Allele origin: germline.